The following is an entry in ClinVar:

ClinVar aggregate classification (germline): Uncertain significance (1 of 4 stars; one submission).

Conditions:
Anauxetic dysplasia. Identifiers: Orphanet 93347, MedGen C1846796, MONDO:0011773.

gnomAD v4.1: 9 of 693,610 alleles (0.0013%); highest among the groups gnomAD compares: Non-Finnish European, 0.0018%; no homozygotes.

Submission:

Labcorp Genetics (formerly Invitae), Labcorp
Classification: Uncertain significance for Anauxetic dysplasia. Last evaluated: 2021-09-01. Review status: criteria provided, single submitter. Criteria: Invitae Variant Classification Sherloc (09022015). Collection method: clinical testing. Allele origin: germline.
Comment: This variant occurs in the RMRP gene, which encodes an RNA molecule that does not result in a protein product. The frequency data for this variant in the population databases is considered unreliable, as metrics indicate insufficient coverage at this position in the ExAC database. This variant has not been reported in the literature in individuals affected with RMRP-related conditions. Experimental studies and prediction algorithms are not available or were not evaluated, and the functional significance of this variant is currently unknown. In summary, the available evidence is currently insufficient to determine the role of this variant in disease. Therefore, it has been classified as a Variant of Uncertain Significance.

NC_000009.12:g.35658006T>G

Gene: RMRP (RNA component of mitochondrial RNA processing endoribonuclease; minus strand). Cytogenetic location: 9p13.3.
Variant type: single nucleotide variant.
Genome position: GRCh38 VCF-style: chr9-35658006-T-G. GRCh37 (hg19) VCF-style: chr9-35658003-T-G.
Identifiers: ClinVar variation 945022 (VCV000945022.6), dbSNP rs534146932, ClinGen allele CA464451068.